The following is an entry in ClinVar:

ClinVar aggregate classification (germline): Uncertain significance (1 of 4 stars; one submission).

Conditions:
Primary ciliary dyskinesia. Also called: Ciliary dyskinesia. Identifiers: Orphanet 244, MedGen C0008780, MONDO:0016575, HP:0012265.

Submission:

Department of Human Genetics, Hannover Medical School
Classification: Uncertain significance for Primary Ciliary Dyskinesia. Last evaluated: 2026-04-01. Review status: criteria provided, single submitter. Criteria: ACMG Guidelines, 2015. Collection method: research. Allele origin: germline. Affected: no.
Comment: Classification performed by HerediClassify using the following criteria:['PM2_supporting: Variant occures does not occur as homozygous in gnomAD.', 'PVS1_protein_moderate: Transcript ENST00000690862 is not predicted to undergo NMD. Protein length change of -0.02184873949579824 observed.', "PP4_moderate: The modified PICADAR socre of 7.0 exceeds threshold of 5 achieving 'strong' evidence strength."]

NM_052989.3(IFT122):c.3636+69dup

Gene: IFT122 (intraflagellar transport 122; plus strand). Cytogenetic location: 3q22.1.
Variant type: Duplication.
Coding change: c.3636+69dup on transcript NM_052989.3 (MANE Select); 69 bases into the intron after coding-DNA position 3636, one base duplicated (T; older notation c.3636+69dupT).
Molecular consequence: intron variant.
Genome position (GRCh38, 1-based): chr3:129,519,801, T duplicated. VCF-style (leftmost placement, unchanged base first): chr3-129519800-C-CT. GRCh37 (hg19) VCF-style: chr3-129238643-C-CT.
Other names: c.3186+69dup (NM_001280545.2); c.3789+69dup (NM_052985.4); c.3615+69dup (NM_001280541.2); c.3639+69dup (NM_001410808.1); c.3582+69dup (NM_001410809.1); c.3462+69dup (NM_001410810.1); c.3459+69dup (NM_018262.4); c.3408+69dup (NM_001410811.1); and 10 more.
Identifiers: ClinVar variation 4880131 (VCV004880131.1).